The following is an entry in ClinVar:

NM_001122769.3(LCA5):c.439_449dup (p.Phe150_Glu151insTer)

Gene: LCA5 (lebercilin LCA5; minus strand). Cytogenetic location: 6q14.1.
Variant type: Duplication.
Coding change: c.439_449dup on transcript NM_001122769.3 (MANE Select); coding-DNA positions 439 to 449, 11 bases duplicated (CTGAATAAGTT).
Protein change: p.Phe150_Glu151insTer.
Molecular consequence: nonsense, inframe insertion.
Genome position (GRCh38, 1-based): chr6:79,513,483-79,513,493, AACTTATTCAG duplicated on the plus strand (CTGAATAAGTT on the coding strand, the reverse complement: LCA5 is on the minus strand). VCF-style (leftmost placement, unchanged base first): chr6-79513482-A-AAACTTATTCAG. GRCh37 (hg19) VCF-style: chr6-80223199-A-AAACTTATTCAG.
Other names: c.439_449dup, p.Phe150_Glu151insTer (NM_181714.4); c.439_449dup11 (NM_181714.4).
Identifiers: ClinVar variation 3629642 (VCV003629642.1).

ClinVar aggregate classification (germline): Pathogenic (1 of 4 stars; one submission).

Conditions:
Leber congenital amaurosis (LCA). Also called: Leber's amaurosis. Identifiers: Orphanet 65, MedGen C0339527, MeSH D057130, MONDO:0018998.

Submission:

Women's Health and Genetics/Laboratory Corporation of America, LabCorp
Classification: Pathogenic for Leber congenital amaurosis. Last evaluated: 2024-11-13. Review status: criteria provided, single submitter. Criteria: LabCorp Variant Classification Summary - May 2015. Collection method: clinical testing. Allele origin: germline.
Comment: Variant summary: LCA5 c.439_449dup11 (p.Glu151X) results in a premature termination codon, predicted to cause a truncation of the encoded protein or absence of the protein due to nonsense mediated decay, which are commonly known mechanisms for disease. The variant allele was found at a frequency of 4e-06 in 250794 control chromosomes. c.439_449dup11 has been reported in the literature in at least a homozygous individual affected with Leber Congenital Amaurosis (MacKay_2013). These data indicate that the variant is very likely to be associated with disease. To our knowledge, no experimental evidence demonstrating an impact on protein function has been reported. The following publications have been ascertained in the context of this evaluation (PMID: 31964843, 23946133). No submitters have cited clinical-significance assessments for this variant to ClinVar. Based on the evidence outlined above, the variant was classified as likely pathogenic.

Literature cited by the submitters: PubMed 23946133; PubMed 31964843.